The following is an entry in ClinVar:

ClinVar aggregate classification (germline): Likely benign (1 of 4 stars; one submission).

Submission:

CeGaT Center for Human Genetics Tuebingen
Classification: Likely benign. Last evaluated: 2025-08-01. Review status: criteria provided, single submitter. Criteria: CeGaT Center For Human Genetics Tuebingen Variant Classification Criteria Version 2. Collection method: clinical testing. Allele origin: germline. Affected: yes. Observed: 1 variant allele.
Comment: APC: PM2:Supporting, BP4, BP7

NM_000038.6(APC):c.4314A>C (p.Thr1438=)

Gene: APC (APC regulator of Wnt signaling pathway; plus strand). Cytogenetic location: 5q22.2.
Variant type: single nucleotide variant.
Coding change: c.4314A>C on transcript NM_000038.6 (MANE Select); coding-DNA position 4314, A replaced by C.
Protein change: p.Thr1438=; no amino-acid change (threonine 1438 retained).
Molecular consequence: synonymous variant. On other transcripts: non-coding transcript variant (2).
Genome position (GRCh38, 1-based): chr5:112,839,908, A>C. VCF-style: chr5-112839908-A-C. GRCh37 (hg19) VCF-style: chr5-112175605-A-C.
Other names: c.4314A>C, p.Thr1438= (NM_001127510.3, NM_001354895.2, NM_001407450.1); c.4260A>C, p.Thr1420= (NM_001127511.3); c.4368A>C, p.Thr1456= (NM_001354896.2, NM_001407447.1, NM_001407448.1 and 1 more transcripts); c.4344A>C, p.Thr1448= (NM_001354897.2); c.4239A>C, p.Thr1413= (NM_001354898.2); c.4230A>C, p.Thr1410= (NM_001354899.2); c.4191A>C, p.Thr1397= (NM_001354900.2); c.4137A>C, p.Thr1379= (NM_001354901.2, NM_001407453.1); and 11 more.
Identifiers: ClinVar variation 4085294 (VCV004085294.8).
Genomic context (GRCh38, chr5:112,839,908, plus strand): 5'-AAGCCCCAGTGATCTTCCAGATAGCCCTGGACAAACCATGCCACCAAGCAGAAGTAAAAC[A>C]CCTCCACCACCTCCTCAAACAGCTCAAACCAAGCGAGAAGTACCTAAAAATAAAGCACCT-3'
Protein context (NP_000029.2, residues 1428-1448): GQTMPPSRSK[Thr1438=]PPPPPQTAQT